The following is an entry in ClinVar:

ClinVar aggregate classification (germline): Uncertain significance (1 of 4 stars; one submission).

Allele frequency attached by ClinVar (database versions not stated): gnomAD 0.00001.

Submission:

Ambry Genetics
Classification: Uncertain significance. Last evaluated: 2021-07-02. Review status: criteria provided, single submitter. Criteria: Ambry Variant Classification Scheme 2023. Collection method: clinical testing. Allele origin: germline.
Comment: The p.G37D variant (also known as c.110G>A), located in coding exon 1 of the PRKDC gene, results from a G to A substitution at nucleotide position 110. The glycine at codon 37 is replaced by aspartic acid, an amino acid with similar properties. This amino acid position is conserved. In addition, this alteration is predicted to be tolerated by in silico analysis. Since supporting evidence is limited at this time, the clinical significance of this alteration remains unclear.

NM_006904.7(PRKDC):c.110G>A (p.Gly37Asp)

Genes: PRKDC (protein kinase, DNA-activated, catalytic subunit; minus strand), LOC129929030 (ATAC-STARR-seq lymphoblastoid silent region 19177; plus strand). Cytogenetic location: 8q11.21.
Variant type: single nucleotide variant.
Coding change: c.110G>A on transcript NM_006904.7 (MANE Select); coding-DNA position 110, G replaced by A.
Protein change: p.Gly37Asp; replaces glycine 37 with aspartic acid.
Molecular consequence: missense variant.
Genome position (GRCh38, 1-based): chr8:47,960,017, C>T on the plus strand (G>A on the coding strand, the complement: PRKDC is on the minus strand). VCF-style: chr8-47960017-C-T. GRCh37 (hg19) VCF-style: chr8-48872577-C-T.
Other names: c.110G>A, p.Gly37Asp (NM_001081640.2); short protein forms G37D.
Identifiers: ClinVar variation 1794800 (VCV001794800.2), dbSNP rs2090786378, ClinGen allele CA371142747.